The following is an entry in ClinVar:

NM_006070.6(TFG):c.41A>T (p.Lys14Ile)

Gene: TFG (trafficking from ER to golgi regulator; plus strand). Cytogenetic location: 3q12.2.
Variant type: single nucleotide variant.
Coding change: c.41A>T on transcript NM_006070.6 (MANE Select); coding-DNA position 41, A replaced by T.
Protein change: p.Lys14Ile; replaces lysine 14 with isoleucine.
Molecular consequence: missense variant.
Genome position (GRCh38, 1-based): chr3:100,713,726, A>T. VCF-style: chr3-100713726-A-T. GRCh37 (hg19) VCF-style: chr3-100432570-A-T.
Other names: c.41A>T, p.Lys14Ile (NM_001195479.2, NM_001007565.2, NM_001195478.2); short protein forms K14I.
Identifiers: ClinVar variation 4782712 (VCV004782712.1).

ClinVar aggregate classification (germline): Uncertain significance (1 of 4 stars; one submission).

Conditions:
Hereditary motor and sensory neuropathy, Okinawa type (HMSNO). Also called: HEREDITARY MOTOR AND SENSORY NEUROPATHY, PROXIMAL TYPE. Identifiers: Orphanet 90117, MedGen C1858338, MONDO:0011468, OMIM 604484.
Hereditary spastic paraplegia 57. Also called: Spastic paraplegia 57, autosomal recessive. Identifiers: Orphanet 431329, MedGen C3714897, MONDO:0014295, OMIM 615658.

Submission:

Labcorp Genetics (formerly Invitae), Labcorp
Classification: Uncertain significance for Hereditary motor and sensory neuropathy, Okinawa type; Hereditary spastic paraplegia 57. Last evaluated: 2025-11-09. Review status: criteria provided, single submitter. Criteria: Invitae Variant Classification Sherloc (09022015). Collection method: clinical testing. Allele origin: germline.
Comment: This sequence change replaces lysine, which is basic and polar, with isoleucine, which is neutral and non-polar, at codon 14 of the TFG protein (p.Lys14Ile). This variant is not present in population databases (gnomAD no frequency). This variant has not been reported in the literature in individuals affected with TFG-related conditions. Invitae Evidence Modeling of protein sequence and biophysical properties (such as structural, functional, and spatial information, amino acid conservation, physicochemical variation, residue mobility, and thermodynamic stability) indicates that this missense variant is expected to disrupt TFG protein function with a positive predictive value of 80%. In summary, the available evidence is currently insufficient to determine the role of this variant in disease. Therefore, it has been classified as a Variant of Uncertain Significance.